The following is an entry in ClinVar:

NM_005862.3(STAG1):c.1402C>T (p.Leu468=)

Gene: STAG1 (STAG1 cohesin complex component; minus strand). Cytogenetic location: 3q22.3.
Variant type: single nucleotide variant.
Coding change: c.1402C>T on transcript NM_005862.3 (MANE Select); coding-DNA position 1402, C replaced by T.
Protein change: p.Leu468=; no amino-acid change (leucine 468 retained).
Molecular consequence: synonymous variant.
Genome position (GRCh38, 1-based): chr3:136,452,059, G>A on the plus strand (C>T on the coding strand, the complement: STAG1 is on the minus strand). VCF-style: chr3-136452059-G-A. GRCh37 (hg19) VCF-style: chr3-136170901-G-A.
Identifiers: ClinVar variation 1621374 (VCV001621374.40), dbSNP rs34807246, ClinGen allele CA2632899.
Genomic context (GRCh38, chr3:136,452,059, plus strand): 5'-AAGAAATAAGGAATTATCTTAAAACATTTTTTACCTCACTTTCAAGAAAGAAAAGAACCA[G>A]CATCCTAATGAGGTTTCCATTCGGGCTGTTTCTTCCCCTCCTCTTTGCTAATGCTTCTTC-3'
Protein context (NP_005853.2, residues 458-478): NSPNGNLIRM[Leu468=]VLFFLESELH

ClinVar aggregate classification (germline): Benign/Likely benign. Review status: criteria provided, multiple submitters, no conflicts (2 of 4 stars). 4 submissions from 4 submitters: Benign (2); Likely benign (2). Last evaluated 2026-09-01.

Conditions:
Intellectual developmental disorder, autosomal dominant 47. Also called: Intellectual disability, autosomal dominant 47; MENTAL RETARDATION, AUTOSOMAL DOMINANT 47. Identifiers: Orphanet 502434, MedGen C4539951, MONDO:0030912, OMIM 617635.

Allele frequency attached by ClinVar (database versions not stated): gnomAD 0.00562 and 0.00551; 1000 Genomes Project 30x 0.00468; ExAC 0.00519; gnomAD exomes 0.00589 and 0.00806; ESP Exome Variant Server 0.00715; 1000 Genomes Project 0.00419; TOPMed 0.00623.
gnomAD v4.1: 12,575 of 1,611,052 alleles (0.78%); highest among the groups gnomAD compares: Non-Finnish European, 0.91%; 77 homozygotes.

Submissions (4):

CeGaT Center for Human Genetics Tuebingen
Classification: Likely benign. Last evaluated: 2026-09-01. Review status: criteria provided, single submitter. Criteria: CeGaT Center For Human Genetics Tuebingen Variant Classification Criteria Version 2. Collection method: clinical testing. Allele origin: germline. Affected: yes. Observed: 35 variant alleles.
Comment: STAG1: BP4, BS2

Labcorp Genetics (formerly Invitae), Labcorp
Classification: Benign. Last evaluated: 2026-02-03. Review status: criteria provided, single submitter. Criteria: Invitae Variant Classification Sherloc (09022015). Collection method: clinical testing. Allele origin: germline.

Fulgent Genetics
Classification: Likely benign for Intellectual developmental disorder, autosomal dominant 47. Last evaluated: 2021-12-02. Review status: criteria provided, single submitter. Criteria: ACMG Guidelines, 2015. Collection method: clinical testing. Allele origin: unknown.

Breakthrough Genomics
Classification: Benign. Review status: criteria provided, single submitter. Criteria: ACMG Guidelines, 2015. Collection method: not provided. Allele origin: germline. Inheritance: Autosomal dominant inheritance. Affected: yes.